The following is an entry in ClinVar:

NM_003036.4(SKI):c.1593T>C (p.Pro531=)

Gene: SKI (SKI proto-oncogene; plus strand). Cytogenetic location: 1p36.32.
Variant type: single nucleotide variant.
Coding change: c.1593T>C on transcript NM_003036.4 (MANE Select); coding-DNA position 1593, T replaced by C.
Protein change: p.Pro531=; no amino-acid change (proline 531 retained).
Molecular consequence: synonymous variant.
Genome position (GRCh38, 1-based): chr1:2,304,411, T>C. VCF-style: chr1-2304411-T-C. GRCh37 (hg19) VCF-style: chr1-2235850-T-C.
Other names: p.P531P:CCT>CCC.
Identifiers: ClinVar variation 213677 (VCV000213677.68), dbSNP rs144279718, ClinGen allele CA324349.

ClinVar aggregate classification (germline): Benign/Likely benign. Review status: criteria provided, multiple submitters, no conflicts (2 of 4 stars). 12 submissions from 12 submitters: Benign (2); Likely benign (7). 3 of the submissions do not count toward it. Last evaluated 2026-06-01.

Conditions:
SKI-related disorder. Also called: SKI-related condition.
Shprintzen-Goldberg syndrome (SGS). Also called: SHPRINTZEN-GOLDBERG CRANIOSYNOSTOSIS SYNDROME; CRANIOSYNOSTOSIS WITH ARACHNODACTYLY AND ABDOMINAL HERNIAS; Marfanoid disorder with craniosynostosis type 1; Marfanoid craniosynostosis syndrome; Shprintzen-Goldberg marfanoid syndrome. Identifiers: Orphanet 2462, MedGen C1321551, MONDO:0008426, OMIM 182212.
Familial thoracic aortic aneurysm and aortic dissection (TAAD). Also called: Thoracic aortic aneurysms and dissections. Identifiers: Orphanet 91387, MedGen C4707243, MONDO:0019625.

Allele frequency attached by ClinVar (database versions not stated): 1000 Genomes Project 0.00020; 1000 Genomes Project 30x 0.00031; ESP Exome Variant Server 0.00039; gnomAD exomes 0.00053 and 0.00097; ExAC 0.00060; gnomAD 0.00062 and 0.00065; TOPMed 0.00063.
gnomAD v4.1: 1,462 of 1,553,978 alleles (0.094%); highest among the groups gnomAD compares: Non-Finnish European, 0.11%; 1 homozygote.

Submissions (12):

CeGaT Center for Human Genetics Tuebingen
Classification: Likely benign. Last evaluated: 2026-06-01. Review status: criteria provided, single submitter. Criteria: CeGaT Center For Human Genetics Tuebingen Variant Classification Criteria Version 2. Collection method: clinical testing. Allele origin: germline. Affected: yes. Observed: 11 variant alleles.
Comment: SKI: BP4, BP7, BS1

Labcorp Genetics (formerly Invitae), Labcorp
Classification: Likely benign for Shprintzen-Goldberg syndrome. Last evaluated: 2026-01-17. Review status: criteria provided, single submitter. Criteria: Invitae Variant Classification Sherloc (09022015). Collection method: clinical testing. Allele origin: germline.

Molecular Diagnostic Laboratory for Inherited Cardiovascular Disease, Montreal Heart Institute
Classification: Likely benign. Last evaluated: 2025-04-09. Review status: criteria provided, single submitter. Criteria: ACMG Guidelines, 2015. Collection method: clinical testing. Allele origin: germline. Affected: no.
Comment: BP7

ARUP Laboratories, Molecular Genetics and Genomics, ARUP Laboratories
Classification: Likely benign for Shprintzen-Goldberg syndrome. Last evaluated: 2025-02-26. Review status: criteria provided, single submitter. Criteria: ARUP Molecular Germline Variant Investigation Process 2024. Collection method: clinical testing. Allele origin: germline.

Blueprint Genetics
Classification: Likely benign. Last evaluated: 2024-10-30. Review status: criteria provided, single submitter. Criteria: ACMG Guidelines, 2015. Collection method: clinical testing. Allele origin: germline.

Women's Health and Genetics/Laboratory Corporation of America, LabCorp
Classification: Benign. Last evaluated: 2023-07-21. Review status: criteria provided, single submitter. Criteria: LabCorp Variant Classification Summary - May 2015. Collection method: clinical testing. Allele origin: germline.

Fulgent Genetics
Classification: Likely benign for Shprintzen-Goldberg syndrome. Last evaluated: 2021-08-12. Review status: criteria provided, single submitter. Criteria: ACMG Guidelines, 2015. Collection method: clinical testing. Allele origin: unknown.

Ambry Genetics
Classification: Likely benign for Familial thoracic aortic aneurysm and aortic dissection. Last evaluated: 2017-01-16. Review status: criteria provided, single submitter. Criteria: Ambry Variant Classification Scheme 2023. Collection method: clinical testing. Allele origin: germline.

GeneDx
Classification: Benign. Last evaluated: 2015-07-01. Review status: criteria provided, single submitter. Criteria: GeneDx Variant Classification (06012015). Collection method: clinical testing. Allele origin: germline. Affected: yes.
Comment: This variant is considered likely benign or benign based on one or more of the following criteria: it is a conservative change, it occurs at a poorly conserved position in the protein, it is predicted to be benign by multiple in silico algorithms, and/or has population frequency not consistent with disease.

PreventionGenetics, part of Exact Sciences
Classification: Likely benign for SKI-related condition. Last evaluated: 2021-11-08. Review status: no assertion criteria provided. Collection method: clinical testing. Allele origin: germline. Not counted in ClinVar's aggregate classification.
Comment: This variant is classified as likely benign based on ACMG/AMP sequence variant interpretation guidelines (Richards et al. 2015 PMID: 25741868, with internal and published modifications).

Clinical Genetics DNA and cytogenetics Diagnostics Lab, Erasmus MC, Erasmus Medical Center
Classification: Likely benign. Review status: no assertion criteria provided. Collection method: clinical testing. Allele origin: germline. Affected: yes. Study: VKGL Data-share Consensus. Not counted in ClinVar's aggregate classification.

Genome Diagnostics Laboratory, Amsterdam University Medical Center
Classification: Likely benign. Review status: no assertion criteria provided. Collection method: clinical testing. Allele origin: germline. Affected: yes. Study: VKGL Data-share Consensus. Not counted in ClinVar's aggregate classification.